The following is an entry in ClinVar:

NM_000399.5(EGR2):c.1414C>G (p.Arg472Gly)

Gene: EGR2 (early growth response 2; minus strand). Cytogenetic location: 10q21.3.
Variant type: single nucleotide variant.
Coding change: c.1414C>G on transcript NM_000399.5 (MANE Select); coding-DNA position 1414, C replaced by G.
Protein change: p.Arg472Gly; replaces arginine 472 with glycine.
Molecular consequence: missense variant.
Genome position (GRCh38, 1-based): chr10:62,813,224, G>C on the plus strand (C>G on the coding strand, the complement: EGR2 is on the minus strand). VCF-style: chr10-62813224-G-C. GRCh37 (hg19) VCF-style: chr10-64572984-G-C.
Other names: c.1414C>G, p.Arg472Gly (NM_001136177.3, NM_001136178.2); c.1264C>G, p.Arg422Gly (NM_001136179.3, NM_001321037.2); short protein forms R472G, R422G.
Identifiers: ClinVar variation 841200 (VCV000841200.10), dbSNP rs1353824847, ClinGen allele CA377026860.

ClinVar aggregate classification (germline): Uncertain significance. Review status: criteria provided, multiple submitters, no conflicts (2 of 4 stars). 2 submissions from 2 submitters: Uncertain significance (2). Last evaluated 2025-08-30.

Conditions:
Charcot-Marie-Tooth disease, type I (CMT1). Also called: Charcot-Marie-Tooth, Type 1; Charcot-Marie-Tooth disease type 1. Identifiers: Orphanet 65753, MedGen C0751036, MONDO:0019011.
Inborn genetic diseases. Identifiers: MedGen C0950123, MeSH D030342.

gnomAD v4.1: 3 of 1,569,074 alleles (0.00019%); highest among the groups gnomAD compares: Admixed American, 0.0056%; no homozygotes.

Submissions (2):

Ambry Genetics
Classification: Uncertain significance for Inborn genetic diseases. Last evaluated: 2025-08-30. Review status: criteria provided, single submitter. Criteria: Ambry Variant Classification Scheme 2023. Collection method: clinical testing. Allele origin: germline.

Labcorp Genetics (formerly Invitae), Labcorp
Classification: Uncertain significance for Charcot-Marie-Tooth disease, type I. Last evaluated: 2024-04-22. Review status: criteria provided, single submitter. Criteria: Invitae Variant Classification Sherloc (09022015). Collection method: clinical testing. Allele origin: germline.
Comment: This sequence change replaces arginine, which is basic and polar, with glycine, which is neutral and non-polar, at codon 472 of the EGR2 protein (p.Arg472Gly). This variant is not present in population databases (gnomAD no frequency). This variant has not been reported in the literature in individuals affected with EGR2-related conditions. ClinVar contains an entry for this variant (Variation ID: 841200). Advanced modeling of protein sequence and biophysical properties (such as structural, functional, and spatial information, amino acid conservation, physicochemical variation, residue mobility, and thermodynamic stability) has been performed at Invitae for this missense variant, however the output from this modeling did not meet the statistical confidence thresholds required to predict the impact of this variant on EGR2 protein function. In summary, the available evidence is currently insufficient to determine the role of this variant in disease. Therefore, it has been classified as a Variant of Uncertain Significance.